The following is an entry in ClinVar:

ClinVar aggregate classification (germline): Pathogenic. Review status: criteria provided, multiple submitters, no conflicts (2 of 4 stars). 3 submissions from 3 submitters: Pathogenic (3). Last evaluated 2022-03-15.

Conditions:
Neurofibromatosis, type 1 (NF1). Also called: Peripheral type neurofibromatosis; Neurofibromatosis, type I; NEUROFIBROMATOSIS, TYPE I, SOMATIC; VON RECKLINGHAUSEN DISEASE. Identifiers: Orphanet 636, MedGen C0027831, MONDO:0018975, OMIM 162200. Disease mechanism: loss of function.

Submissions (3):

Genome-Nilou Lab
Classification: Pathogenic for Neurofibromatosis, type 1. Last evaluated: 2022-03-15. Review status: criteria provided, single submitter. Criteria: ACMG Guidelines, 2015. Collection method: clinical testing. Allele origin: germline. Affected: no.

Labcorp Genetics (formerly Invitae), Labcorp
Classification: Pathogenic for Neurofibromatosis, type 1. Last evaluated: 2020-04-13. Review status: criteria provided, single submitter. Criteria: Invitae Variant Classification Sherloc (09022015). Collection method: clinical testing. Allele origin: germline.
Comment: This sequence change creates a premature translational stop signal (p.Leu113Phefs*52) in the NF1 gene. It is expected to result in an absent or disrupted protein product. This variant is not present in population databases (ExAC no frequency). This variant has not been reported in the literature in individuals with NF1-related conditions. Loss-of-function variants in NF1 are known to be pathogenic (PMID: 10712197, 23913538). For these reasons, this variant has been classified as Pathogenic.

GeneDx
Classification: Pathogenic. Last evaluated: 2018-12-07. Review status: criteria provided, single submitter. Criteria: GeneDx Variant Classification (06012015). Collection method: clinical testing. Allele origin: germline. Affected: yes.
Comment: The c.339delG pathogenic variant in the NF1 gene causes a frameshift starting with codon Leucine 113, changes this amino acid to a Phenylalanine residue and creates a premature Stop codon at position 52 of the new reading frame, denoted p.Leu113PhefsX52. This pathogenic variant is predicted to cause loss of normal protein function either through protein truncation or nonsense-mediated mRNA decay. The c.339delG variant is not observed in large population cohorts (Lek et al., 2016). This variant has not been previously reported to our knowledge. We interpret this variant as pathogenic.

Literature cited by the submitters: PubMed 10712197 (cited by Labcorp Genetics (formerly Invitae), Labcorp); PubMed 23913538 (cited by Labcorp Genetics (formerly Invitae), Labcorp).

NM_001042492.3(NF1):c.339del (p.Leu113fs)

Gene: NF1 (neurofibromin 1; plus strand). Cytogenetic location: 17q11.2.
Variant type: Deletion.
Coding change: c.339del on transcript NM_001042492.3 (MANE Select); coding-DNA position 339, one base deleted (G; older notation c.339delG).
Protein change: p.Leu113fs; shifts the reading frame from leucine 113.
Molecular consequence: frameshift variant.
Genome position (GRCh38, 1-based): chr17:31,163,236, G deleted. VCF-style (leftmost placement, unchanged base first): chr17-31163235-TG-T. GRCh37 (hg19) VCF-style: chr17-29490253-TG-T.
Other names: c.339delG, p.Leu113Phefs (NM_000267.4); c.339del, p.Leu113fs (NM_001128147.3); c.339delG (NM_000267.3); short protein forms L113fs.
Identifiers: ClinVar variation 817346 (VCV000817346.7), dbSNP rs1597635745, ClinGen allele CA915949710.